The following is an entry in ClinVar:

ClinVar aggregate classification (germline): Benign/Likely benign. Review status: criteria provided, multiple submitters, no conflicts (2 of 4 stars). 6 submissions from 4 submitters: Benign (5); Likely benign (1). Last evaluated 2026-01-19.

Conditions:
Hyperinsulinism due to INSR deficiency. Also called: Hyperinsulinism due to glutamodehydrogenase deficiency. Identifiers: Orphanet 263458, MedGen C1864952, MONDO:0012381, OMIM 609968.
Rabson-Mendenhall syndrome. Also called: MENDENHALL SYNDROME; Pineal Hyperplasia, Insulin-Resistant Diabetes Mellitus, and Somatic Abnormalities; Pineal hyperplasia AND diabetes mellitus syndrome. Identifiers: Orphanet 769, MedGen C0271695, MONDO:0009874, OMIM 262190.
Leprechaunism syndrome. Also called: Donohue syndrome; LEPRECHAUNISM. Identifiers: Orphanet 508, MedGen C0265344, MONDO:0009517, OMIM 246200.
Insulin-resistant diabetes mellitus AND acanthosis nigricans. Also called: Insulin-resistance syndrome type A; INSULIN RECEPTOR, DEFECT IN, WITH INSULIN-RESISTANT DIABETES MELLITUS AND ACANTHOSIS NIGRICANS; IRAN, TYPE A; type A insulin resistance; DIABETES MELLITUS, INSULIN-RESISTANT, WITH ACANTHOSIS NIGRICANS, TYPE A. Identifiers: Orphanet 2297, MedGen C0342278, MONDO:0012520, OMIM 610549.

Allele frequency attached by ClinVar (database versions not stated): gnomAD exomes 0.01128; ExAC 0.01180; gnomAD 0.01857 and 0.01903; ESP Exome Variant Server 0.01968; TOPMed 0.02003; 1000 Genomes Project 30x 0.02124; 1000 Genomes Project 0.02196.
gnomAD v4.1: 15,023 of 1,614,070 alleles (0.93%); highest among the groups gnomAD compares: African/African-American, 4.3%; 163 homozygotes.

Submissions (6):

Labcorp Genetics (formerly Invitae), Labcorp
Classification: Benign. Last evaluated: 2026-01-19. Review status: criteria provided, single submitter. Criteria: Invitae Variant Classification Sherloc (09022015). Collection method: clinical testing. Allele origin: germline.

Illumina Laboratory Services, Illumina
Classification: Benign for Leprechaunism syndrome. Last evaluated: 2018-01-13. Review status: criteria provided, single submitter. Criteria: ICSL Variant Classification Criteria 13 December 2019. Collection method: clinical testing. Allele origin: germline.
Comment: This variant was observed in the ICSL laboratory as part of a predisposition screen in an ostensibly healthy population. It had not been previously curated by ICSL or reported in the Human Gene Mutation Database (HGMD: prior to June 1st, 2018), and was therefore a candidate for classification through an automated scoring system. Utilizing variant allele frequency, disease prevalence and penetrance estimates, and inheritance mode, an automated score was calculated to assess if this variant is too frequent to cause the disease. Based on the score and internal cut-off values, a variant classified as benign is not then subjected to further curation. The score for this variant resulted in a classification of benign for this disease.

Illumina Laboratory Services, Illumina
Classification: Benign for Rabson-Mendenhall syndrome. Last evaluated: 2018-01-13. Review status: criteria provided, single submitter. Criteria: ICSL Variant Classification Criteria 13 December 2019. Collection method: clinical testing. Allele origin: germline.
Comment: the same text as in the submission from Illumina Laboratory Services, Illumina above.

Illumina Laboratory Services, Illumina
Classification: Benign for Insulin-resistant diabetes mellitus AND acanthosis nigricans. Last evaluated: 2018-01-13. Review status: criteria provided, single submitter. Criteria: ICSL Variant Classification Criteria 13 December 2019. Collection method: clinical testing. Allele origin: germline.
Comment: the same text as in the submission from Illumina Laboratory Services, Illumina above.

Breakthrough Genomics
Classification: Benign. Review status: criteria provided, single submitter. Criteria: ACMG Guidelines, 2015. Collection method: not provided. Allele origin: germline. Inheritance: Autosomal recessive inheritance. Affected: yes.

Clinical Genomics, Uppaluri K&H Personalized Medicine Clinic
Classification: Likely benign for Hyperinsulinism due to INSR deficiency. Review status: criteria provided, single submitter. Criteria: K And H Uppaluri Personalized Medicine Clinic Variant Classification And Assertion Criteria Updated V 2. Collection method: research. Allele origin: unknown. Inheritance: Autosomal dominant inheritance.
Comment: Potent mutations in INSR gene can lead to insulin resistance, which presents as impaired glucose tolerance, early onset type 2 diabetes, post prandial hyperglycemia and increased insulin requirement in type 1 diabetes. These mutations in INSR gene can also predispose to coronary artery disease, metabolic syndrome, polycystic ovarian disease and non alcoholic fatty liver disease.However, the role of this particular variant rs2229432 with early onset diabetes mellitus is yet to be ascertained.

Literature cited by the submitters: PubMed 35000900 (cited by Clinical Genomics, Uppaluri K&H Personalized Medicine Clinic); PubMed 31989990 (cited by Clinical Genomics, Uppaluri K&H Personalized Medicine Clinic); PubMed 23705494 (cited by Clinical Genomics, Uppaluri K&H Personalized Medicine Clinic).

NM_000208.4(INSR):c.2643C>T (p.Ile881=)

Gene: INSR (insulin receptor; minus strand). Cytogenetic location: 19p13.2.
Variant type: single nucleotide variant.
Coding change: c.2643C>T on transcript NM_000208.4 (MANE Select); coding-DNA position 2643, C replaced by T.
Protein change: p.Ile881=; no amino-acid change (isoleucine 881 retained).
Molecular consequence: synonymous variant.
Genome position (GRCh38, 1-based): chr19:7,141,716, G>A on the plus strand (C>T on the coding strand, the complement: INSR is on the minus strand). VCF-style: chr19-7141716-G-A. GRCh37 (hg19) VCF-style: chr19-7141727-G-A.
Other names: c.2607C>T, p.Ile869= (NM_001079817.3).
Identifiers: ClinVar variation 330453 (VCV000330453.14), dbSNP rs2229432, ClinGen allele CA9135498.